The following is an entry in ClinVar:

NM_001002294.3(FMO3):c.1448G>C (p.Arg483Thr)

Gene: FMO3 (flavin containing dimethylaniline monoxygenase 3; plus strand). Cytogenetic location: 1q24.3.
Variant type: single nucleotide variant.
Coding change: c.1448G>C on transcript NM_001002294.3 (MANE Select); coding-DNA position 1448, G replaced by C.
Protein change: p.Arg483Thr; replaces arginine 483 with threonine.
Molecular consequence: missense variant.
Genome position (GRCh38, 1-based): chr1:171,117,291, G>C. VCF-style: chr1-171117291-G-C. GRCh37 (hg19) VCF-style: chr1-171086431-G-C.
Other names: c.1388G>C, p.Arg463Thr (NM_001319173.2); c.1259G>C, p.Arg420Thr (NM_001319174.2); c.1448G>C, p.Arg483Thr (NM_006894.6); short protein forms R420T, R463T, R483T.
Identifiers: ClinVar variation 3768332 (VCV003768332.1).

ClinVar aggregate classification (germline): Uncertain significance (1 of 4 stars; one submission).

gnomAD v4.1: 6 of 1,614,210 alleles (0.00037%); highest among the groups gnomAD compares: Non-Finnish European, 0.00051%; no homozygotes.

Submission:

Women's Health and Genetics/Laboratory Corporation of America, LabCorp
Classification: Uncertain significance. Last evaluated: 2024-12-26. Review status: criteria provided, single submitter. Criteria: LabCorp Variant Classification Summary - May 2015. Collection method: clinical testing. Allele origin: germline.
Comment: Variant summary: FMO3 c.1448G>C (p.Arg483Thr) results in a non-conservative amino acid change in the encoded protein sequence. Five of five in-silico tools predict a damaging effect of the variant on protein function. The variant was absent in 251034 control chromosomes. The available data on variant occurrences in the general population are insufficient to allow any conclusion about variant significance. c.1448G>C has been reported in the literature in a compound heterozygous individual affected with Trimethylaminuria (Chalmers_2006). These report(s) do not provide unequivocal conclusions about association of the variant with Trimethylaminuria. To our knowledge, no experimental evidence demonstrating an impact on protein function has been reported. The following publication have been ascertained in the context of this evaluation (PMID: 16601883). No submitters have cited clinical-significance assessments for this variant to ClinVar. Based on the evidence outlined above, the variant was classified as uncertain significance.

Literature cited by the submitters: PubMed 16601883.